The following is an entry in ClinVar:

ClinVar aggregate classification (germline): Likely benign (0 of 4 stars; one submission).

Conditions:
IQSEC1-related disorder. Also called: IQSEC1-related condition.

Allele frequency attached by ClinVar (database versions not stated): gnomAD exomes 0.00005; gnomAD 0.00011; TOPMed 0.00011; ExAC 0.00030; 1000 Genomes Project 30x 0.00078; 1000 Genomes Project 0.00100.
gnomAD v4.1: 89 of 1,606,708 alleles (0.0055%); highest among the groups gnomAD compares: East Asian, 0.13%; no homozygotes.

Submission:

PreventionGenetics, part of Exact Sciences
Classification: Likely benign for IQSEC1-related condition. Last evaluated: 2023-02-21. Review status: no assertion criteria provided. Collection method: clinical testing. Allele origin: germline.
Comment: This variant is classified as likely benign based on ACMG/AMP sequence variant interpretation guidelines (Richards et al. 2015 PMID: 25741868, with internal and published modifications).

NM_001134382.3(IQSEC1):c.369G>A (p.Ala123=)

Gene: IQSEC1 (IQ motif and Sec7 domain ArfGEF 1; minus strand). Cytogenetic location: 3p25.2.
Variant type: single nucleotide variant.
Coding change: c.369G>A on transcript NM_001134382.3 (MANE Select); coding-DNA position 369, G replaced by A.
Protein change: p.Ala123=; no amino-acid change (alanine 123 retained).
Molecular consequence: synonymous variant.
Genome position (GRCh38, 1-based): chr3:12,936,647, C>T on the plus strand (G>A on the coding strand, the complement: IQSEC1 is on the minus strand). VCF-style: chr3-12936647-C-T. GRCh37 (hg19) VCF-style: chr3-12978147-C-T.
Other names: c.45G>A, p.Ala15= (NM_001330619.3); c.693G>A, p.Ala231= (NM_001376938.2); c.411G>A, p.Ala137= (NM_014869.8).
Identifiers: ClinVar variation 3049225 (VCV003049225.2), dbSNP rs74414892, ClinGen allele CA2262515.